The following is an entry in ClinVar:

ClinVar aggregate classification (germline): Uncertain significance (1 of 4 stars; one submission).

Allele frequency attached by ClinVar (database versions not stated): gnomAD exomes below 0.00001.
gnomAD v4.1: 1 of 1,612,072 alleles (0.000062%); highest among the groups gnomAD compares: Admixed American, 0.0017%; no homozygotes.

Submission:

GeneDx
Classification: Uncertain significance. Last evaluated: 2019-04-11. Review status: criteria provided, single submitter. Criteria: GeneDx Variant Classification Process June 2021. Collection method: clinical testing. Allele origin: germline. Affected: yes.
Comment: Not observed at a significant frequency in large population cohorts (Lek et al., 2016); In silico analysis, which includes protein predictors and evolutionary conservation, supports that this variant does not alter protein structure/function; Has not been previously published as pathogenic or benign to our knowledge

NM_001199563.2(BVES):c.752A>G (p.Tyr251Cys)

Gene: BVES (blood vessel epicardial substance; minus strand). Cytogenetic location: 6q21.
Variant type: single nucleotide variant.
Coding change: c.752A>G on transcript NM_001199563.2 (MANE Select); coding-DNA position 752, A replaced by G.
Protein change: p.Tyr251Cys; replaces tyrosine 251 with cysteine.
Molecular consequence: missense variant.
Genome position (GRCh38, 1-based): chr6:105,116,765, T>C on the plus strand (A>G on the coding strand, the complement: BVES is on the minus strand). VCF-style: chr6-105116765-T-C. GRCh37 (hg19) VCF-style: chr6-105564640-T-C.
Other names: c.752A>G, p.Tyr251Cys (NM_007073.4, NM_147147.4); short protein forms Y251C.
Identifiers: ClinVar variation 1305079 (VCV001305079.2), dbSNP rs1279687376, ClinGen allele CA365317301.